The following is an entry in ClinVar:

NM_006514.4(SCN10A):c.3742G>C (p.Ala1248Pro)

Gene: SCN10A (sodium voltage-gated channel alpha subunit 10; minus strand). Cytogenetic location: 3p22.2.
Variant type: single nucleotide variant.
Coding change: c.3742G>C on transcript NM_006514.4 (MANE Select); coding-DNA position 3742, G replaced by C.
Protein change: p.Ala1248Pro; replaces alanine 1248 with proline.
Molecular consequence: missense variant.
Genome position (GRCh38, 1-based): chr3:38,714,020, C>G on the plus strand (G>C on the coding strand, the complement: SCN10A is on the minus strand). VCF-style: chr3-38714020-C-G. GRCh37 (hg19) VCF-style: chr3-38755511-C-G.
Other names: c.3739G>C, p.Ala1247Pro (NM_001293306.2); c.3448G>C, p.Ala1150Pro (NM_001293307.2); short protein forms A1150P, A1248P, A1247P.
Identifiers: ClinVar variation 855915 (VCV000855915.7), dbSNP rs764555780, ClinGen allele CA2320135.

ClinVar aggregate classification (germline): Uncertain significance. Review status: criteria provided, multiple submitters, no conflicts (2 of 4 stars). 2 submissions from 2 submitters: Uncertain significance (2). Last evaluated 2025-12-15.

Conditions:
Brugada syndrome. Also called: Sudden Unexplained Death Syndrome; Sudden Unexplained Nocturnal Death Syndrome (SUNDS); Sudden unexpected nocturnal death syndrome; Sudden unexplained nocturnal death syndrome. Identifiers: Orphanet 130, MedGen C1142166, MONDO:0015263.
Cardiovascular phenotype. Identifiers: MedGen CN230736.

Allele frequency attached by ClinVar (database versions not stated): TOPMed below 0.00001; gnomAD exomes 0.00001 and 0.00002; ExAC 0.00002.
gnomAD v4.1: 17 of 1,614,164 alleles (0.0011%); highest among the groups gnomAD compares: Non-Finnish European, 0.0013%; no homozygotes.

Submissions (2):

Labcorp Genetics (formerly Invitae), Labcorp
Classification: Uncertain significance for Brugada syndrome. Last evaluated: 2025-12-15. Review status: criteria provided, single submitter. Criteria: Invitae Variant Classification Sherloc (09022015). Collection method: clinical testing. Allele origin: germline.
Comment: This sequence change replaces alanine, which is neutral and non-polar, with proline, which is neutral and non-polar, at codon 1248 of the SCN10A protein (p.Ala1248Pro). This variant is present in population databases (rs764555780, gnomAD 0.003%). This variant has not been reported in the literature in individuals affected with SCN10A-related conditions. ClinVar contains an entry for this variant (Variation ID: 855915). Invitae Evidence Modeling of protein sequence and biophysical properties (such as structural, functional, and spatial information, amino acid conservation, physicochemical variation, residue mobility, and thermodynamic stability) indicates that this missense variant is not expected to disrupt SCN10A protein function with a negative predictive value of 80%. In summary, the available evidence is currently insufficient to determine the role of this variant in disease. Therefore, it has been classified as a Variant of Uncertain Significance.

Ambry Genetics
Classification: Uncertain significance for Cardiovascular phenotype. Last evaluated: 2022-08-03. Review status: criteria provided, single submitter. Criteria: Ambry Variant Classification Scheme 2023. Collection method: clinical testing. Allele origin: germline.
Comment: The p.A1248P variant (also known as c.3742G>C), located in coding exon 21 of the SCN10A gene, results from a G to C substitution at nucleotide position 3742. The alanine at codon 1248 is replaced by proline, an amino acid with highly similar properties. This amino acid position is not well conserved in available vertebrate species. In addition, this alteration is predicted to be deleterious by in silico analysis. Since supporting evidence is limited at this time, the clinical significance of this alteration remains unclear.